The following is an entry in ClinVar:

ClinVar aggregate classification (germline): Uncertain significance (1 of 4 stars; one submission).

Submission:

Labcorp Genetics (formerly Invitae), Labcorp
Classification: Uncertain significance. Last evaluated: 2023-08-24. Review status: criteria provided, single submitter. Criteria: Invitae Variant Classification Sherloc (09022015). Collection method: clinical testing. Allele origin: germline.
Comment: This sequence change replaces proline, which is neutral and non-polar, with threonine, which is neutral and polar, at codon 1022 of the LRP2 protein (p.Pro1022Thr). This variant is not present in population databases (gnomAD no frequency). This variant has not been reported in the literature in individuals affected with LRP2-related conditions. ClinVar contains an entry for this variant (Variation ID: 1462427). Advanced modeling of protein sequence and biophysical properties (such as structural, functional, and spatial information, amino acid conservation, physicochemical variation, residue mobility, and thermodynamic stability) performed at Invitae indicates that this missense variant is expected to disrupt LRP2 protein function. In summary, the available evidence is currently insufficient to determine the role of this variant in disease. Therefore, it has been classified as a Variant of Uncertain Significance.

NM_004525.3(LRP2):c.3064C>A (p.Pro1022Thr)

Gene: LRP2 (LDL receptor related protein 2; minus strand). Cytogenetic location: 2q31.1.
Variant type: single nucleotide variant.
Coding change: c.3064C>A on transcript NM_004525.3 (MANE Select); coding-DNA position 3064, C replaced by A.
Protein change: p.Pro1022Thr; replaces proline 1022 with threonine.
Molecular consequence: missense variant.
Genome position (GRCh38, 1-based): chr2:169,246,831, G>T on the plus strand (C>A on the coding strand, the complement: LRP2 is on the minus strand). VCF-style: chr2-169246831-G-T. GRCh37 (hg19) VCF-style: chr2-170103341-G-T.
Other names: short protein forms P1022T.
Identifiers: ClinVar variation 1462427 (VCV001462427.6), dbSNP rs916552328, ClinGen allele CA349153067.
Genomic context (GRCh38, chr2:169,246,831, plus strand): 5'-AATTGGGCACACATCTGCCATTTTTACAGGGGAAGGAAAATAAGCCACACTGCTCTGTGG[G>T]TGGTTCATTGGTTGGGTCCCCCTCGCATGTCAAGTGATTGGAAGCCAGCCTCATTCCATA-3'
Protein context (NP_004516.2, residues 1012-1032): TCEGDPTNEP[Pro1022Thr]TEQCGLFSFP